The following is an entry in ClinVar:

ClinVar aggregate classification (germline): Conflicting classifications of pathogenicity. Review status: criteria provided, conflicting classifications (1 of 4 stars). 4 submissions from 4 submitters: Uncertain significance (2); Likely benign (2). Last evaluated 2025-09-30.

Conditions:
Hereditary spherocytosis type 1. Also called: Spherocytosis type 1; ANK1-Related Spherocytosis. Identifiers: Orphanet 822, MedGen C2674218, MONDO:0008447, OMIM 182900.

Allele frequency attached by ClinVar (database versions not stated): gnomAD 0.00490 and 0.00514; 1000 Genomes Project 0.00499; 1000 Genomes Project 30x 0.00531; TOPMed 0.00634.
gnomAD v4.1: 1,838 of 671,228 alleles (0.27%); highest among the groups gnomAD compares: Middle Eastern, 1.4%; 12 homozygotes.

Submissions (4):

Mayo Clinic Laboratories, Mayo Clinic
Classification: Uncertain significance. Last evaluated: 2025-09-30. Review status: criteria provided, single submitter. Criteria: ACMG Guidelines, 2015. Collection method: clinical testing. Allele origin: germline. Observed: 15 variant alleles.
Comment: BP4, BP7

ARUP Laboratories, Molecular Genetics and Genomics, ARUP Laboratories
Classification: Likely benign for Hereditary spherocytosis type 1. Last evaluated: 2025-05-14. Review status: criteria provided, single submitter. Criteria: ARUP Molecular Germline Variant Investigation Process 2024. Collection method: clinical testing. Allele origin: germline.

CeGaT Center for Human Genetics Tuebingen
Classification: Likely benign. Last evaluated: 2024-02-01. Review status: criteria provided, single submitter. Criteria: CeGaT Center For Human Genetics Tuebingen Variant Classification Criteria Version 2. Collection method: clinical testing. Allele origin: germline. Affected: yes. Observed: 5 variant alleles.
Comment: ANK1: BS1

Breakthrough Genomics
Classification: Uncertain significance. Review status: criteria provided, single submitter. Criteria: ACMG Guidelines, 2015. Collection method: not provided. Allele origin: germline. Inheritance: Autosomal recessive inheritance. Affected: yes.

Literature cited by the submitters: PubMed 8640229 (cited by Mayo Clinic Laboratories, Mayo Clinic).

NM_000037.4(ANK1):c.-204C>G

Gene: ANK1 (ankyrin 1; minus strand). Cytogenetic location: 8p11.21.
Variant type: single nucleotide variant.
Coding change: c.-204C>G on transcript NM_000037.4 (MANE Select); 204 bases upstream of the start codon, C replaced by G.
Molecular consequence: genic upstream transcript variant. On other transcripts: intron variant (1).
Genome position (GRCh38, 1-based): chr8:41,797,742, G>C on the plus strand (C>G on the coding strand, the complement: ANK1 is on the minus strand). VCF-style: chr8-41797742-G-C. GRCh37 (hg19) VCF-style: chr8-41655260-G-C.
Other names: p.?; c.127-39605C>G (NM_001142446.2).
Identifiers: ClinVar variation 993678 (VCV000993678.40), dbSNP rs117184692, ClinGen allele CA175931457.